The following is an entry in ClinVar:

NM_001378183.1(PIEZO2):c.1231C>T (p.Pro411Ser)

Gene: PIEZO2 (piezo type mechanosensitive ion channel component 2; minus strand). Cytogenetic location: 18p11.22.
Variant type: single nucleotide variant.
Coding change: c.1231C>T on transcript NM_001378183.1 (MANE Select); coding-DNA position 1231, C replaced by T.
Protein change: p.Pro411Ser; replaces proline 411 with serine.
Molecular consequence: missense variant.
Genome position (GRCh38, 1-based): chr18:10,801,398, G>A on the plus strand (C>T on the coding strand, the complement: PIEZO2 is on the minus strand). VCF-style: chr18-10801398-G-A. GRCh37 (hg19) VCF-style: chr18-10801396-G-A.
Other names: c.1231C>T, p.Pro411Ser (NM_001410871.1, NM_022068.4); short protein forms P411S.
Identifiers: ClinVar variation 3242099 (VCV003242099.1), dbSNP rs1181794331.

ClinVar aggregate classification (germline): Uncertain significance (1 of 4 stars; one submission).

Conditions:
Marden-Walker syndrome (MWKS). Also called: Connective tissue disorder Marden Walker type. Identifiers: Orphanet 2461, MedGen C0796033, MONDO:0009564, OMIM 248700.

Allele frequency attached by ClinVar (database versions not stated): gnomAD 0.00001.
gnomAD v4.1: 15 of 1,501,670 alleles (0.001%); highest among the groups gnomAD compares: South Asian, 0.017%; no homozygotes.

Submission:

Neuberg Centre For Genomic Medicine, NCGM
Classification: Uncertain significance for Marden-Walker syndrome. Review status: criteria provided, single submitter. Criteria: ACMG Guidelines, 2015. Collection method: clinical testing. Allele origin: germline. Inheritance: Autosomal dominant inheritance. Affected: yes.
Comment: The observed missense c.1231C>T(p.Pro411Ser) variant in PIEZO2 gene has not been reported previously as a pathogenic variant nor a benign variant, to our knowledge. The p.Pro411Ser variant is absent in gnomAD Exomes. This variant has not been submitted to the ClinVar database. The amino acid change p.Pro411Ser in PIEZO2 is predicted as conserved by GERP++ and PhyloP across 100 vertebrates. The amino acid Pro at position 411 is changed to a Ser changing protein sequence and it might alter its composition and physico-chemical properties. Computational evidence (Polyphen, SIFT and MutationTaster) predicts conflicting evidence on protein structure and function for this variant. For these reasons, this variant has been classified as a Variant of Uncertain Significance (VUS).